The following is an entry in ClinVar:

NM_182961.4(SYNE1):c.18157C>T (p.Arg6053Ter)

Gene: SYNE1 (spectrin repeat containing nuclear envelope protein 1; minus strand). Cytogenetic location: 6q25.2.
Variant type: single nucleotide variant.
Coding change: c.18157C>T on transcript NM_182961.4 (MANE Select); coding-DNA position 18157, C replaced by T.
Protein change: p.Arg6053Ter; replaces arginine 6053 with a stop codon.
Molecular consequence: nonsense.
Genome position (GRCh38, 1-based): chr6:152,284,028, G>A on the plus strand (C>T on the coding strand, the complement: SYNE1 is on the minus strand). VCF-style: chr6-152284028-G-A. GRCh37 (hg19) VCF-style: chr6-152605163-G-A.
Other names: c.17944C>T, p.Arg5982Ter (NM_033071.5); short protein forms R5982*, R6053*.
Identifiers: ClinVar variation 2585575 (VCV002585575.1), dbSNP rs1562775040, ClinGen allele CA366097182.

ClinVar aggregate classification (germline): Likely pathogenic (1 of 4 stars; one submission).

Conditions:
Autosomal recessive ataxia, Beauce type. Also called: ATAXIA, RECESSIVE, OF BEAUCE; Spinocerebellar ataxia, autosomal recessive 8; SYNE1-Related Autosomal Recessive Cerebellar Ataxia; SYNE1 Deficiency. Identifiers: Orphanet 88644, MedGen C1853116, MONDO:0012549, OMIM 610743.

gnomAD v4.1: 2 of 1,614,190 alleles (0.00012%); highest among the groups gnomAD compares: East Asian, 0.0022%; no homozygotes.

Submission:

Neuberg Centre For Genomic Medicine, NCGM
Classification: Likely pathogenic for Autosomal recessive ataxia, Beauce type. Review status: criteria provided, single submitter. Criteria: ACMG Guidelines, 2015. Collection method: clinical testing. Allele origin: germline. Inheritance: Autosomal recessive inheritance. Affected: yes.
Comment: The stop gained variant c.18157C>T(p.Arg6053Ter) has not been reported previously as a pathogenic variant nor as a benign variant, to our knowledge. The c.18157C>T variant is novel (not in any individuals) in gnomAD Exomes and 1000 Genomes. The nucleotide change c.18157C>T in SYNE1 is predicted as conserved by PhyloP across 100 vertebrates. Loss of function variants have been previously reported to be disease causing. For these reasons, this variant has been classified as Likely pathogenic.